The following is an entry in ClinVar:

ClinVar aggregate classification (germline): Likely benign. Review status: criteria provided, single submitter (1 of 4 stars). 2 submissions from 2 submitters: Likely benign (1). 1 of the submissions does not count toward it. Last evaluated 2025-09-24.

Conditions:
Muscular dystrophy-dystroglycanopathy (congenital with impaired intellectual development), type B, 14. Also called: Muscular dystrophy-dystroglycanopathy (congenital with intellectual disability), type B14; MUSCULAR DYSTROPHY, CONGENITAL, GMPPB-RELATED; Congenital muscular dystrophy-dystroglycanopathy with mental retardation, type B14. Identifiers: MedGen C3809221, MONDO:0014141, OMIM 615351.
Muscular dystrophy-dystroglycanopathy (congenital with brain and eye anomalies), type A14. Also called: WALKER-WARBURG SYNDROME OR MUSCLE-EYE-BRAIN DISEASE, GMPPB-RELATED; Muscular dystrophy-dystroglycanopathy (congenital with brain and eye anomalies), type a, 14; Congenital Muscular Dystrophy-Dystroglycanopathy with Brain and Eye Anomalies Type A 14; Congenital muscular dystrophy-dystroglycanopathy with brain and eye anomalies, type A14. Identifiers: Orphanet 588, MedGen C3809216, MONDO:0014140, OMIM 615350.
Autosomal recessive limb-girdle muscular dystrophy type 2T. Also called: MUSCULAR DYSTROPHY-DYSTROGLYCANOPATHY, LIMB-GIRDLE, GMPPB-RELATED; MUSCULAR DYSTROPHY, LIMB-GIRDLE, TYPE 2T; Muscular dystrophy-dystroglycanopathy (limb-girdle), type c, 14; Limb-girdle muscular dystrophy-dystroglycanopathy, type C14. Identifiers: Orphanet 363623, MedGen C4518000, MONDO:0014142, OMIM 615352.
GMPPB-related disorder. Also called: GMPPB-related condition; GMPPB-related disorders.

Allele frequency attached by ClinVar (database versions not stated): gnomAD exomes 0.00001; ExAC 0.00002; gnomAD 0.00011; TOPMed 0.00014.

Submissions (2):

Labcorp Genetics (formerly Invitae), Labcorp
Classification: Likely benign for Autosomal recessive limb-girdle muscular dystrophy type 2T; Muscular dystrophy-dystroglycanopathy (congenital with brain and eye anomalies), type A14; Muscular dystrophy-dystroglycanopathy (congenital with impaired intellectual development), type B, 14. Last evaluated: 2025-09-24. Review status: criteria provided, single submitter. Criteria: Invitae Variant Classification Sherloc (09022015). Collection method: clinical testing. Allele origin: germline.

PreventionGenetics, part of Exact Sciences
Classification: Likely benign for GMPPB-related condition. Last evaluated: 2019-04-11. Review status: no assertion criteria provided. Collection method: clinical testing. Allele origin: germline. Not counted in ClinVar's aggregate classification.
Comment: This variant is classified as likely benign based on ACMG/AMP sequence variant interpretation guidelines (Richards et al. 2015 PMID: 25741868, with internal and published modifications).

NM_021971.4(GMPPB):c.615G>A (p.Gly205=)

Gene: GMPPB (GDP-mannose pyrophosphorylase B; minus strand). Cytogenetic location: 3p21.31.
Variant type: single nucleotide variant.
Coding change: c.615G>A on transcript NM_021971.4 (MANE Select); coding-DNA position 615, G replaced by A.
Protein change: p.Gly205=; no amino-acid change (glycine 205 retained).
Molecular consequence: synonymous variant.
Genome position (GRCh38, 1-based): chr3:49,722,457, C>T on the plus strand (G>A on the coding strand, the complement: GMPPB is on the minus strand). VCF-style: chr3-49722457-C-T. GRCh37 (hg19) VCF-style: chr3-49759890-C-T.
Other names: c.615G>A, p.Gly205= (NM_013334.4); c.615G>A (NM_013334.3).
Identifiers: ClinVar variation 2052918 (VCV002052918.6), dbSNP rs754331565, ClinGen allele CA2405499.